The following is an entry in ClinVar:

ClinVar aggregate classification (germline): Uncertain significance (1 of 4 stars; one submission).

Conditions:
Holoprosencephaly 5 (HPE5). Identifiers: Orphanet 2162, MedGen C1864827, MONDO:0012322, OMIM 609637.

Allele frequency attached by ClinVar (database versions not stated): TOPMed below 0.00001; gnomAD 0.00001.

Submission:

Labcorp Genetics (formerly Invitae), Labcorp
Classification: Uncertain significance for Holoprosencephaly 5. Last evaluated: 2023-12-21. Review status: criteria provided, single submitter. Criteria: Invitae Variant Classification Sherloc (09022015). Collection method: clinical testing. Allele origin: germline.
Comment: This sequence change replaces glycine, which is neutral and non-polar, with aspartic acid, which is acidic and polar, at codon 513 of the ZIC2 protein (p.Gly513Asp). The frequency data for this variant in the population databases is considered unreliable, as metrics indicate poor data quality at this position in the gnomAD database. This variant has not been reported in the literature in individuals affected with ZIC2-related conditions. ClinVar contains an entry for this variant (Variation ID: 2200139). Experimental studies and prediction algorithms are not available or were not evaluated, and the functional significance of this variant is currently unknown. In summary, the available evidence is currently insufficient to determine the role of this variant in disease. Therefore, it has been classified as a Variant of Uncertain Significance.

NM_007129.5(ZIC2):c.1538G>A (p.Gly513Asp)

Gene: ZIC2 (Zic family zinc finger 2; plus strand). Cytogenetic location: 13q32.3.
Variant type: single nucleotide variant.
Coding change: c.1538G>A on transcript NM_007129.5 (MANE Select); coding-DNA position 1538, G replaced by A.
Protein change: p.Gly513Asp; replaces glycine 513 with aspartic acid.
Molecular consequence: missense variant.
Genome position (GRCh38, 1-based): chr13:99,985,621, G>A. VCF-style: chr13-99985621-G-A. GRCh37 (hg19) VCF-style: chr13-100637875-G-A.
Other names: short protein forms G513D.
Identifiers: ClinVar variation 2200139 (VCV002200139.4), dbSNP rs1408295947, ClinGen allele CA388639766.
Genomic context (GRCh38, chr13:99,985,621, plus strand): 5'-GCGGCAGTGGCGGGGGCGGCGGCGGGGCGGGCGGCGGGGGCGGCGGCAGCTCTGGCGGGG[G>A]CAGCGGGACAGCCGGGGGTCACAGCGGCCTCTCCTCCAACTTCAATGAATGGTACGTGTG-3'
Protein context (NP_009060.2, residues 503-523): GGGGGGSSGG[Gly513Asp]SGTAGGHSGL